The following is an entry in ClinVar:

NM_001267550.2(TTN):c.83324dup (p.Arg27776fs)

Genes: TTN (titin; minus strand), TTN-AS1 (TTN antisense RNA 1; plus strand). Cytogenetic location: 2q31.2.
Variant type: Duplication.
Coding change: c.83324dup on transcript NM_001267550.2 (MANE Select); coding-DNA position 83324, one base duplicated (T; older notation c.83324dupT).
Protein change: p.Arg27776fs; shifts the reading frame from arginine 27776.
Molecular consequence: frameshift variant.
Genome position (GRCh38, 1-based): chr2:178,562,808, A duplicated on the plus strand (T on the coding strand, the reverse complement: TTN is on the minus strand). VCF-style (leftmost placement, unchanged base first): chr2-178562807-T-TA. GRCh37 (hg19) VCF-style: chr2-179427534-T-TA.
Other names: c.56129dup, p.Arg18711fs (NM_003319.4); c.75620dup, p.Arg25208fs (NM_133378.4); c.56504dup, p.Arg18836fs (NM_133432.3); c.56705dup, p.Arg18903fs (NM_133437.4); c.78401dup, p.Arg26135fs (NM_001256850.1); short protein forms R18711fs, R18836fs, R18903fs, R25208fs, R26135fs, R27776fs.
Identifiers: ClinVar variation 1297705 (VCV001297705.8), dbSNP rs2154160971, ClinGen allele CA2499215345.

ClinVar aggregate classification (germline): Likely pathogenic. Review status: criteria provided, multiple submitters, no conflicts (2 of 4 stars). 5 submissions from 5 submitters: Likely pathogenic (3). 2 of the submissions do not count toward it. Last evaluated 2024-10-21.

Conditions:
Autosomal recessive limb-girdle muscular dystrophy type 2J (LGMDR10). Also called: Limb-girdle muscular dystrophy, type 2J; MUSCULAR DYSTROPHY, LIMB-GIRDLE, AUTOSOMAL RECESSIVE 10. Identifiers: Orphanet 140922, MedGen C1837342, MONDO:0012127, OMIM 608807.
Dilated cardiomyopathy 1G (CMD1G). Identifiers: Orphanet 154, MedGen C1858763, MONDO:0011400, OMIM 604145.
Hypertrophic cardiomyopathy 9. Also called: Familial hypertrophic cardiomyopathy 9. Identifiers: MedGen C1861065, MONDO:0013412, OMIM 613765.
Early-onset myopathy with fatal cardiomyopathy (CMYO5). Also called: CONGENITAL MYOPATHY 5 WITH CARDIOMYOPATHY; Salih Myopathy. Identifiers: Orphanet 289377, MedGen C2673677, MONDO:0012714, OMIM 611705. Disease mechanism: loss of function.
Myopathy, myofibrillar, 9, with early respiratory failure (MFM9). Also called: Hereditary myopathy with early respiratory failure; EDSTROM MYOPATHY; MYOPATHY, PROXIMAL, WITH EARLY RESPIRATORY MUSCLE INVOLVEMENT; Myopathy, distal, with early respiratory failure, autosomal dominant. Identifiers: Orphanet 178464, Orphanet 34521, MedGen C1863599, MONDO:0011362, OMIM 603689.
Tibial muscular dystrophy (TMD). Also called: Udd Distal Myopathy – Tibial Muscular Dystrophy; UDD MYOPATHY; Tibial muscular dystrophy, tardive. Identifiers: Orphanet 609, MedGen C1838244, MONDO:0010870, OMIM 600334.

Submissions (5):

Labcorp Genetics (formerly Invitae), Labcorp
Classification: Likely pathogenic for Dilated cardiomyopathy 1G; Autosomal recessive limb-girdle muscular dystrophy type 2J. Last evaluated: 2024-10-21. Review status: criteria provided, single submitter. Criteria: Invitae Variant Classification Sherloc (09022015). Collection method: clinical testing. Allele origin: germline.
Comment: This sequence change creates a premature translational stop signal (p.Arg27776Lysfs*18) in the TTN gene. While this is not anticipated to result in nonsense mediated decay, it is expected to create a truncated TTN protein. This variant is not present in population databases (gnomAD no frequency). This variant has not been reported in the literature in individuals affected with TTN-related conditions. ClinVar contains an entry for this variant (Variation ID: 1297705). This variant is located in the A band of TTN (PMID: 25589632). Truncating variants in this region are significantly overrepresented in patients affected with dilated cardiomyopathy (PMID: 25589632). Truncating variants in this region have also been reported in individuals affected with autosomal recessive centronuclear myopathy (PMID: 23975875). In summary, the currently available evidence indicates that the variant is pathogenic, but additional data are needed to prove that conclusively. Therefore, this variant has been classified as Likely Pathogenic.

ARUP Laboratories, Molecular Genetics and Genomics, ARUP Laboratories
Classification: Likely pathogenic. Last evaluated: 2024-05-13. Review status: criteria provided, single submitter. Criteria: ARUP Molecular Germline Variant Investigation Process 2024. Collection method: clinical testing. Allele origin: germline.
Comment: The TTN c.83324dup; p.Arg27776LysfsTer18 variant (rs2154160971), to our knowledge, is not reported in the medical literature but is reported as likely pathogenic in ClinVar (Variation ID: 1297705). This variant is absent from the Genome Aggregation Database (v2.1.1), indicating it is not a common polymorphism. This variant causes a frameshift by inserting a single nucleotide, so it is predicted to result in a truncated protein or mRNA subject to nonsense-mediated decay. This variant is in an exon that is spliced into 100% of TTN transcripts and encodes a segment of the A-band, which is a region that is enriched for pathogenic truncating variants in individuals with dilated cardiomyopathy (Roberts 2015, Herman 2012). Based on available information, this variant is considered to be likely pathogenic. References: Herman DS et al. Truncations of titin causing dilated cardiomyopathy. N Engl J Med. 2012 Feb 16;366(7):619-28. PMID: 22335739. Roberts AM et al. Integrated allelic, transcriptional, and phenomic dissection of the cardiac effects of titin truncations in health and disease. Sci Transl Med. 2015 Jan 14;7(270):270ra6. PMID: 25589632.

Fulgent Genetics
Classification: Likely pathogenic for Tibial muscular dystrophy; Myopathy, myofibrillar, 9, with early respiratory failure; Dilated cardiomyopathy 1G; Autosomal recessive limb-girdle muscular dystrophy type 2J; Early-onset myopathy with fatal cardiomyopathy; Hypertrophic cardiomyopathy 9. Last evaluated: 2021-08-23. Review status: criteria provided, single submitter. Criteria: ACMG Guidelines, 2015. Collection method: clinical testing. Allele origin: unknown.

Clinical Genetics DNA and cytogenetics Diagnostics Lab, Erasmus MC, Erasmus Medical Center
Classification: Pathogenic. Review status: no assertion criteria provided. Collection method: clinical testing. Allele origin: germline. Affected: yes. Study: VKGL Data-share Consensus. Not counted in ClinVar's aggregate classification.

Joint Genome Diagnostic Labs from Nijmegen and Maastricht, Radboudumc and MUMC+
Classification: Pathogenic. Review status: no assertion criteria provided. Collection method: clinical testing. Allele origin: germline. Affected: yes. Study: VKGL Data-share Consensus. Not counted in ClinVar's aggregate classification.

Literature cited by the submitters: PubMed 25589632 (cited by Labcorp Genetics (formerly Invitae), Labcorp); PubMed 23975875 (cited by Labcorp Genetics (formerly Invitae), Labcorp).